The following is an entry in ClinVar:

ClinVar aggregate classification (germline): Likely benign (1 of 4 stars; one submission).

Submission:

CeGaT Center for Human Genetics Tuebingen
Classification: Likely benign. Last evaluated: 2025-06-01. Review status: criteria provided, single submitter. Criteria: CeGaT Center For Human Genetics Tuebingen Variant Classification Criteria Version 2. Collection method: clinical testing. Allele origin: germline. Affected: yes. Observed: 1 variant allele.
Comment: DSPP: BP4, BP7

NM_014208.3(DSPP):c.3096C>T (p.Asp1032=)

Genes: DMP1-AS1 (DMP1 and DSPP antisense RNA 1; minus strand), DSPP (dentin sialophosphoprotein; plus strand). Cytogenetic location: 4q22.1.
Variant type: single nucleotide variant.
Coding change: c.3096C>T on transcript NM_014208.3 (MANE Select); coding-DNA position 3096, C replaced by T.
Protein change: p.Asp1032=; no amino-acid change (aspartic acid 1032 retained).
Molecular consequence: synonymous variant.
Genome position (GRCh38, 1-based): chr4:87,615,758, C>T. VCF-style: chr4-87615758-C-T. GRCh37 (hg19) VCF-style: chr4-88536910-C-T.
Identifiers: ClinVar variation 3904804 (VCV003904804.10).